The following is an entry in ClinVar:

ClinVar aggregate classification (germline): Uncertain significance. Review status: criteria provided, multiple submitters, no conflicts (2 of 4 stars). 3 submissions from 3 submitters: Uncertain significance (3). Last evaluated 2025-08-14.

Conditions:
Alport syndrome 3b, autosomal recessive. Identifiers: MedGen C5882699, MONDO:0957811, OMIM 620536.
Autosomal dominant Alport syndrome (ATS3A). Also called: Alport syndrome dominant type; Renal failure and sensorineural hearing loss; ALPORT SYNDROME 3A, AUTOSOMAL DOMINANT. Identifiers: Orphanet 63, Orphanet 88918, MedGen C5882663, MONDO:0007086, OMIM 104200.
Hematuria, benign familial, 2 (BFH2). Identifiers: MedGen C5830421, MONDO:0958186, OMIM 620320.

Allele frequency attached by ClinVar (database versions not stated): TOPMed 0.00001; ExAC 0.00006.
gnomAD v4.1: 13 of 1,596,152 alleles (0.00081%); highest among the groups gnomAD compares: Admixed American, 0.0018%; no homozygotes.

Submissions (3):

GeneDx
Classification: Uncertain significance. Last evaluated: 2025-08-14. Review status: criteria provided, single submitter. Criteria: GeneDx Variant Classification Process June 2021. Collection method: clinical testing. Allele origin: germline. Affected: yes.
Comment: Not observed at a significant frequency in large population cohorts (gnomAD); In silico analysis supports that this missense variant does not alter protein structure/function; Has not been previously published as pathogenic or benign to our knowledge

Labcorp Genetics (formerly Invitae), Labcorp
Classification: Uncertain significance. Last evaluated: 2025-04-13. Review status: criteria provided, single submitter. Criteria: Invitae Variant Classification Sherloc (09022015). Collection method: clinical testing. Allele origin: germline.
Comment: This sequence change replaces isoleucine, which is neutral and non-polar, with arginine, which is basic and polar, at codon 1220 of the COL4A3 protein (p.Ile1220Arg). This variant is present in population databases (no rsID available, gnomAD 0.003%). This variant has not been reported in the literature in individuals affected with COL4A3-related conditions. ClinVar contains an entry for this variant (Variation ID: 1339606). Invitae Evidence Modeling of protein sequence and biophysical properties (such as structural, functional, and spatial information, amino acid conservation, physicochemical variation, residue mobility, and thermodynamic stability) indicates that this missense variant is not expected to disrupt COL4A3 protein function with a negative predictive value of 95%. In summary, the available evidence is currently insufficient to determine the role of this variant in disease. Therefore, it has been classified as a Variant of Uncertain Significance.

Fulgent Genetics
Classification: Uncertain significance for Autosomal dominant Alport syndrome; Hematuria, benign familial, 2; Alport syndrome 3b, autosomal recessive. Last evaluated: 2024-02-14. Review status: criteria provided, single submitter. Criteria: ACMG Guidelines, 2015. Collection method: clinical testing. Allele origin: germline.

NM_000091.5(COL4A3):c.3659T>G (p.Ile1220Arg)

Genes: MFF-DT (MFF divergent transcript; minus strand), COL4A3 (collagen type IV alpha 3 chain; plus strand). Cytogenetic location: 2q36.3.
Variant type: single nucleotide variant.
Coding change: c.3659T>G on transcript NM_000091.5 (MANE Select); coding-DNA position 3659, T replaced by G.
Protein change: p.Ile1220Arg; replaces isoleucine 1220 with arginine.
Molecular consequence: missense variant.
Genome position (GRCh38, 1-based): chr2:227,297,767, T>G. VCF-style: chr2-227297767-T-G. GRCh37 (hg19) VCF-style: chr2-228162483-T-G.
Other names: short protein forms I1220R.
Identifiers: ClinVar variation 1339606 (VCV001339606.6), dbSNP rs1229811135, ClinGen allele CA2147316.
Genomic context (GRCh38, chr2:227,297,767, plus strand): 5'-CTGGCCTCCCGGGCAGAAAAGGGGCCATGGGAGATGCTGGACCTCGAGGACCCACAGGCA[T>G]AGAAGGATTCCCAGGGCCACCAGGTCTGCCCGGTGCAATTATCCCTGGCCAGACAGGAAA-3'
Protein context (NP_000082.2, residues 1210-1230): GDAGPRGPTG[Ile1220Arg]EGFPGPPGLP